The following is an entry in ClinVar:

NM_001267550.2(TTN):c.65369T>C (p.Ile21790Thr)

Genes: TTN (titin; minus strand), TTN-AS1 (TTN antisense RNA 1; plus strand). Cytogenetic location: 2q31.2.
Variant type: single nucleotide variant.
Coding change: c.65369T>C on transcript NM_001267550.2 (MANE Select); coding-DNA position 65369, T replaced by C.
Protein change: p.Ile21790Thr; replaces isoleucine 21790 with threonine.
Molecular consequence: missense variant. On other transcripts: non-coding transcript variant (1).
Genome position (GRCh38, 1-based): chr2:178,583,813, A>G on the plus strand (T>C on the coding strand, the complement: TTN is on the minus strand). VCF-style: chr2-178583813-A-G. GRCh37 (hg19) VCF-style: chr2-179448540-A-G.
Other names: c.60446T>C, p.Ile20149Thr (NM_001256850.1); c.38174T>C, p.Ile12725Thr (NM_003319.4); c.38549T>C, p.Ile12850Thr (NM_133432.3); c.38750T>C, p.Ile12917Thr (NM_133437.4); c.57665T>C, p.Ile19222Thr (NM_133378.4); short protein forms I19222T, I21790T, I12850T, I12917T, I12725T, I20149T.
Identifiers: ClinVar variation 165896 (VCV000165896.8), dbSNP rs727503580, ClinGen allele CA178608.

ClinVar aggregate classification (germline): Uncertain significance. Review status: criteria provided, multiple submitters, no conflicts (2 of 4 stars). 3 submissions from 3 submitters: Uncertain significance (3). Last evaluated 2021-09-29.

Conditions:
Autosomal recessive limb-girdle muscular dystrophy type 2J (LGMDR10). Also called: MUSCULAR DYSTROPHY, LIMB-GIRDLE, AUTOSOMAL RECESSIVE 10; Limb-girdle muscular dystrophy, type 2J. Identifiers: Orphanet 140922, MedGen C1837342, MONDO:0012127, OMIM 608807.
Dilated cardiomyopathy 1G (CMD1G). Identifiers: Orphanet 154, MedGen C1858763, MONDO:0011400, OMIM 604145.
Tibial muscular dystrophy (TMD). Also called: Tibial muscular dystrophy, tardive; Udd Distal Myopathy – Tibial Muscular Dystrophy; UDD MYOPATHY. Identifiers: Orphanet 609, MedGen C1838244, MONDO:0010870, OMIM 600334.
Myopathy, myofibrillar, 9, with early respiratory failure (MFM9). Also called: Myopathy, distal, with early respiratory failure, autosomal dominant; EDSTROM MYOPATHY; MYOPATHY, PROXIMAL, WITH EARLY RESPIRATORY MUSCLE INVOLVEMENT; Hereditary myopathy with early respiratory failure. Identifiers: Orphanet 178464, Orphanet 34521, MedGen C1863599, MONDO:0011362, OMIM 603689.
Early-onset myopathy with fatal cardiomyopathy (CMYO5). Also called: CONGENITAL MYOPATHY 5 WITH CARDIOMYOPATHY; Salih Myopathy. Identifiers: Orphanet 289377, MedGen C2673677, MONDO:0012714, OMIM 611705. Disease mechanism: loss of function.
Hypertrophic cardiomyopathy 9. Also called: Familial hypertrophic cardiomyopathy 9. Identifiers: MedGen C1861065, MONDO:0013412, OMIM 613765.

Allele frequency attached by ClinVar (database versions not stated): ExAC 0.00001; gnomAD 0.00001; gnomAD exomes 0.00001; TOPMed 0.00002.
gnomAD v4.1: 9 of 1,610,044 alleles (0.00056%); highest among the groups gnomAD compares: African/African-American, 0.0067%; no homozygotes.

Submissions (3):

Fulgent Genetics
Classification: Uncertain significance for Tibial muscular dystrophy; Myopathy, myofibrillar, 9, with early respiratory failure; Dilated cardiomyopathy 1G; Autosomal recessive limb-girdle muscular dystrophy type 2J; Early-onset myopathy with fatal cardiomyopathy; Hypertrophic cardiomyopathy 9. Last evaluated: 2021-09-29. Review status: criteria provided, single submitter. Criteria: ACMG Guidelines, 2015. Collection method: clinical testing. Allele origin: unknown.

Labcorp Genetics (formerly Invitae), Labcorp
Classification: Uncertain significance for Dilated cardiomyopathy 1G; Autosomal recessive limb-girdle muscular dystrophy type 2J. Last evaluated: 2017-11-19. Review status: criteria provided, single submitter. Criteria: Invitae Variant Classification Sherloc (09022015). Collection method: clinical testing. Allele origin: germline.

Laboratory for Molecular Medicine, Mass General Brigham Personalized Medicine
Classification: Uncertain significance. Last evaluated: 2013-09-26. Review status: criteria provided, single submitter. Criteria: LMM Criteria. Collection method: clinical testing. Allele origin: germline. Observed: 1 variant allele.
Comment: The Ile19222Thr variant in TTN has not been previously reported in individuals w ith cardiomyopathy or in larger population studies. Computational analyses (bio chemical amino acid properties, conservation, AlignGVGD, PolyPhen2, and SIFT) su ggest that this variant may not impact the normal function of the protein. Addi tional information is needed to fully assess the clinical significance of this v ariant.